The following is an entry in ClinVar:

NM_001127208.3(TET2):c.2746C>T (p.Gln916Ter)

Genes: TET2-AS1 (TET2 antisense RNA 1; minus strand), TET2 (tet methylcytosine dioxygenase 2; plus strand). Cytogenetic location: 4q24.
Variant type: single nucleotide variant.
Coding change: c.2746C>T on transcript NM_001127208.3 (MANE Select); coding-DNA position 2746, C replaced by T.
Protein change: p.Gln916Ter; replaces glutamine 916 with a stop codon.
Molecular consequence: nonsense.
Genome position (GRCh38, 1-based): chr4:105,236,688, C>T. VCF-style: chr4-105236688-C-T. GRCh37 (hg19) VCF-style: chr4-106157845-C-T.
Other names: c.2746C>T, p.Gln916Ter (NM_017628.4); short protein forms Q916*.
Identifiers: ClinVar variation 2681600 (VCV002681600.6), dbSNP rs780710758, ClinGen allele CA3031947.

ClinVar aggregate classification (germline): Conflicting classifications of pathogenicity. Review status: criteria provided, conflicting classifications (1 of 4 stars). 4 submissions from 4 submitters: Likely pathogenic (1); Uncertain significance (2). 1 of the submissions does not count toward it. Last evaluated 2024-12-10.

Conditions:
EBV-positive nodal T- and NK-cell lymphoma.
Myelodysplastic syndrome (MDS). Also called: MYELODYSPLASTIC SYNDROME, SUSCEPTIBILITY TO; Myelodysplastic syndrome, somatic; Myelodysplastic syndromes. Identifiers: Orphanet 52688, MedGen C3463824, MeSH D009190, MONDO:0018881, OMIM 614286.
Immunodeficiency 75. Also called: IMMUNODEFICIENCY 75 WITH LYMPHOPROLIFERATION. Identifiers: Orphanet 664729, MedGen C5436860, MONDO:0030858, OMIM 619126.

Allele frequency attached by ClinVar (database versions not stated): ExAC 0.00001; gnomAD exomes 0.00001.

Submissions (4):

GeneDx
Classification: Uncertain significance. Last evaluated: 2024-12-10. Review status: criteria provided, single submitter. Criteria: GeneDx Variant Classification Process June 2021. Collection method: clinical testing. Allele origin: germline. Affected: yes.
Comment: Nonsense variant predicted to result in protein truncation or nonsense mediated decay in a gene for which loss of function is a known mechanism of disease; Has not been previously published as pathogenic or benign to our knowledge

Department of Pathology and Laboratory Medicine, Sinai Health System
Classification: Likely pathogenic for Myelodysplastic syndrome; Immunodeficiency 75. Last evaluated: 2023-08-31. Review status: criteria provided, single submitter. Criteria: ACMG Guidelines, 2015. Collection method: research. Allele origin: germline.

Labcorp Genetics (formerly Invitae), Labcorp
Classification: Uncertain significance. Last evaluated: 2023-01-06. Review status: criteria provided, single submitter. Criteria: Invitae Variant Classification Sherloc (09022015). Collection method: clinical testing. Allele origin: germline.
Comment: This variant is present in population databases (rs780710758, gnomAD 0.003%). In summary, the available evidence is currently insufficient to determine the role of this variant in disease. Therefore, it has been classified as a Variant of Uncertain Significance. This variant has not been reported in the literature in individuals affected with TET2-related conditions. This sequence change creates a premature translational stop signal (p.Gln916*) in the TET2 gene. It is expected to result in an absent or disrupted protein product. However, the current clinical and genetic evidence is not sufficient to establish whether loss-of-function variants in TET2 cause disease.

Department of Clinical Pathology, School of Medicine, Fujita Health University
Classification: Pathogenic for EBV-positive nodal T- and NK-cell lymphoma. Review status: no assertion criteria provided. Collection method: research. Allele origin: somatic. Affected: yes. Not counted in ClinVar's aggregate classification.